The following is an entry in ClinVar:

NM_000202.8(IDS):c.240+2_240+3insTCCCAGA

Gene: IDS (iduronate 2-sulfatase; minus strand). Cytogenetic location: Xq28.
Variant type: Insertion.
Coding change: c.240+2_240+3insTCCCAGA on transcript NM_000202.8 (MANE Select); the canonical splice donor site of the intron after coding-DNA position 240 through 3 bases into the intron after coding-DNA position 240, TCCCAGA inserted.
Molecular consequence: splice donor variant.
Genome position: GRCh38 VCF-style: chrX-149504154-T-TTCTGGGA. GRCh37 (hg19) VCF-style: chrX-148585684-T-TTCTGGGA.
Other names: c.14+2_14+3insTCCCAGA (NM_001166550.4); c.240+2_240+3insTCCCAGA (NM_006123.5).
Identifiers: ClinVar variation 3256105 (VCV003256105.2).

ClinVar aggregate classification (germline): Likely pathogenic (1 of 4 stars; one submission).

Conditions:
Mucopolysaccharidosis, MPS-II (MPS2). Also called: Hunter Syndrome; IDURONATE 2-SULFATASE DEFICIENCY; Mucopolysaccharidosis Type II; Mucopolysaccharidosis type 2; Attenuated MPS (subtype; formerly known as mild MPS II); Severe MPS II. Identifiers: Orphanet 580, Orphanet 79388, MedGen C0026705, MONDO:0010674, OMIM 309900.

Submission:

Laboratory of Diagnosis and Therapy of Lysosomal Disorders, University of Padova
Classification: Likely pathogenic for Mucopolysaccharidosis, MPS-II. Last evaluated: 2024-06-07. Review status: criteria provided, single submitter. Criteria: ACMG Guidelines, 2015. Collection method: literature only. Allele origin: germline. Affected: yes. Observed: 1 variant allele.
Comment: Absent from controls (or at low frequency) in gnomAD database (PM2_Moderate), Multiple lines of computational evidence support a deleterious effect (PP3_Supporting), Patient’s phenotype or family history highly specific for the disease (PP4_Strong)

Classification method: ACMG Guidelines [PMID:25741868] with modifications

Literature cited by the submitters: PubMed 33676511.